The following is an entry in ClinVar:

NM_005068.3(SIM1):c.59T>A (p.Phe20Tyr)

Gene: SIM1 (SIM bHLH transcription factor 1; minus strand). Cytogenetic location: 6q16.3.
Variant type: single nucleotide variant.
Coding change: c.59T>A on transcript NM_005068.3 (MANE Select); coding-DNA position 59, T replaced by A.
Protein change: p.Phe20Tyr; replaces phenylalanine 20 with tyrosine.
Molecular consequence: missense variant.
Genome position (GRCh38, 1-based): chr6:100,463,410, A>T on the plus strand (T>A on the coding strand, the complement: SIM1 is on the minus strand). VCF-style: chr6-100463410-A-T. GRCh37 (hg19) VCF-style: chr6-100911286-A-T.
Other names: c.59T>A, p.Phe20Tyr (NM_001374769.1); short protein forms F20Y.
Identifiers: ClinVar variation 4703866 (VCV004703866.1).
Genomic context (GRCh38, chr6:100,463,410, plus strand): 5'-GCTTTGTCCAGCTGCGAGGTGATAGCCGAGGGCAAAGGCAGTAATTTAGCCAGTTCATAA[A>T]ATTCACTGTTTTCCTTCTCCCTCCTAGTCCGCGCAGCATTTTTGGACTTTTCTTTCATTG-3'
Protein context (NP_005059.2, residues 10-30): RTRREKENSE[Phe20Tyr]YELAKLLPLP

ClinVar aggregate classification (germline): Uncertain significance (1 of 4 stars; one submission).

gnomAD v4.1: 20 of 1,613,772 alleles (0.0012%); highest among the groups gnomAD compares: Non-Finnish European, 0.0017%; no homozygotes.

Submission:

Labcorp Genetics (formerly Invitae), Labcorp
Classification: Uncertain significance. Last evaluated: 2026-02-02. Review status: criteria provided, single submitter. Criteria: Invitae Variant Classification Sherloc (09022015). Collection method: clinical testing. Allele origin: germline.
Comment: This sequence change replaces phenylalanine, which is neutral and non-polar, with tyrosine, which is neutral and polar, at codon 20 of the SIM1 protein (p.Phe20Tyr). This variant is present in population databases (rs778829133, gnomAD 0.002%). This variant has not been reported in the literature in individuals affected with SIM1-related conditions. An algorithm developed to predict the effect of missense changes on protein structure and function (PolyPhen-2) suggests that this variant is likely to be disruptive. In summary, the available evidence is currently insufficient to determine the role of this variant in disease. Therefore, it has been classified as a Variant of Uncertain Significance.